The following is an entry in ClinVar:

NM_001130969.3(NSMF):c.1237-9T>C

Genes: NSMF (NMDA receptor synaptonuclear signaling and neuronal migration factor; minus strand), LOC126860797 (MED14-independent group 3 enhancer GRCh37_chr9:140343721-140344920; plus strand). Cytogenetic location: 9q34.3.
Variant type: single nucleotide variant.
Coding change: c.1237-9T>C on transcript NM_001130969.3 (MANE Select); 9 bases into the intron before coding-DNA position 1237, T replaced by C.
Molecular consequence: intron variant.
Genome position (GRCh38, 1-based): chr9:137,450,264, A>G on the plus strand (T>C on the coding strand, the complement: NSMF is on the minus strand). VCF-style: chr9-137450264-A-G. GRCh37 (hg19) VCF-style: chr9-140344716-A-G.
Other names: c.1162-9T>C (NM_001130971.2); c.1231-9T>C (NM_015537.5); c.1168-9T>C (NM_001130970.2); c.1147-9T>C (NM_001178064.2).
Identifiers: ClinVar variation 516527 (VCV000516527.13), dbSNP rs112888704, ClinGen allele CA5370091.
Genomic context (GRCh38, chr9:137,450,264, plus strand): 5'-TGGCAAAGGTGGCCACCTTGTTCTTGAGGAGATAGAGGTGTCCAGGACCTCCCTGTAAGA[A>G]GCTGTGGTCAGGCATCTGCTCCTCCTTCCTCCCCCTCTCCGACACACATGCACCCACGCA-3'

ClinVar aggregate classification (germline): Benign. Review status: criteria provided, multiple submitters, no conflicts (2 of 4 stars). 4 submissions from 4 submitters: Benign (3). 1 of the submissions does not count toward it. Last evaluated 2026-01-15.

Allele frequency attached by ClinVar (database versions not stated): 1000 Genomes Project 30x 0.00609; TOPMed 0.00725; 1000 Genomes Project 0.00559; ESP Exome Variant Server 0.00815; ExAC 0.00909; gnomAD exomes 0.00980 and 0.01417; gnomAD 0.01025 and 0.01034.
gnomAD v4.1: 22,050 of 1,610,526 alleles (1.4%); highest among the groups gnomAD compares: Non-Finnish European, 1.6%; 183 homozygotes.

Submissions (4):

Labcorp Genetics (formerly Invitae), Labcorp
Classification: Benign. Last evaluated: 2026-01-15. Review status: criteria provided, single submitter. Criteria: Invitae Variant Classification Sherloc (09022015). Collection method: clinical testing. Allele origin: germline.

GeneDx
Classification: Benign. Last evaluated: 2017-12-29. Review status: criteria provided, single submitter. Criteria: GeneDx Variant Classification (06012015). Collection method: clinical testing. Allele origin: germline. Affected: yes.
Comment: This variant is considered likely benign or benign based on one or more of the following criteria: it is a conservative change, it occurs at a poorly conserved position in the protein, it is predicted to be benign by multiple in silico algorithms, and/or has population frequency not consistent with disease.

Breakthrough Genomics
Classification: Benign. Review status: criteria provided, single submitter. Criteria: ACMG Guidelines, 2015. Collection method: not provided. Allele origin: germline. Inheritance: Autosomal dominant inheritance. Affected: yes.

Genetic Services Laboratory, University of Chicago
Classification: Benign. Last evaluated: 2022-06-01. Review status: no assertion criteria provided. Collection method: clinical testing. Allele origin: germline. Affected: no. Not counted in ClinVar's aggregate classification.